The following is an entry in ClinVar:

NM_053013.4(ENO3):c.675G>A (p.Glu225=)

Gene: ENO3 (enolase 3; plus strand). Cytogenetic location: 17p13.2.
Variant type: single nucleotide variant.
Coding change: c.675G>A on transcript NM_053013.4 (MANE Select); coding-DNA position 675, G replaced by A.
Protein change: p.Glu225=; no amino-acid change (glutamic acid 225 retained).
Molecular consequence: synonymous variant.
Genome position (GRCh38, 1-based): chr17:4,955,414, G>A. VCF-style: chr17-4955414-G-A. GRCh37 (hg19) VCF-style: chr17-4858709-G-A.
Other names: c.675G>A (NM_053013.3); c.546G>A, p.Glu182= (NM_001193503.2); c.675G>A, p.Glu225= (NM_001374523.1, NM_001976.5); c.702G>A, p.Glu234= (NM_001374524.1).
Identifiers: ClinVar variation 1959986 (VCV001959986.7), dbSNP rs2507715778, ClinGen allele CA497679483.
Genomic context (GRCh38, chr17:4,955,414, plus strand): 5'-GGCTGCAGACAAGGGGCACTGGAGTCTCAGGTCCTTTCTTGGTCCTCCCCCAGCCCTGGA[G>A]CTGCTGAAGACGGCCATCCAGGCGGCTGGTTACCCAGACAAGGTGGTGATCGGCATGGAT-3'
Protein context (NP_443739.3, residues 215-235): PNILENNEAL[Glu225=]LLKTAIQAAG

ClinVar aggregate classification (germline): Likely benign. Review status: criteria provided, single submitter (1 of 4 stars). 2 submissions from 2 submitters: Likely benign (1). 1 of the submissions does not count toward it. Last evaluated 2022-03-20.

Conditions:
ENO3-related disorder. Also called: ENO3-related condition.
Glycogen storage disease due to muscle beta-enolase deficiency (GSD13). Also called: Glycogen Storage Disease Type XIII; ENOLASE 3 DEFICIENCY; ENOLASE-BETA DEFICIENCY; GSD XIII. Identifiers: Orphanet 99849, MedGen C2752027, MONDO:0013046, OMIM 612932.

Submissions (2):

Labcorp Genetics (formerly Invitae), Labcorp
Classification: Likely benign for Glycogen storage disease due to muscle beta-enolase deficiency. Last evaluated: 2022-03-20. Review status: criteria provided, single submitter. Criteria: Invitae Variant Classification Sherloc (09022015). Collection method: clinical testing. Allele origin: germline.

PreventionGenetics, part of Exact Sciences
Classification: Likely benign for ENO3-related condition. Last evaluated: 2020-12-16. Review status: no assertion criteria provided. Collection method: clinical testing. Allele origin: germline. Not counted in ClinVar's aggregate classification.
Comment: This variant is classified as likely benign based on ACMG/AMP sequence variant interpretation guidelines (Richards et al. 2015 PMID: 25741868, with internal and published modifications).